The following is an entry in ClinVar:

NM_007294.4(BRCA1):c.5152+8T>G

Gene: BRCA1 (BRCA1 DNA repair associated; minus strand). Cytogenetic location: 17q21.31.
Variant type: single nucleotide variant.
Coding change: c.5152+8T>G on transcript NM_007294.4 (MANE Select); 8 bases into the intron after coding-DNA position 5152, T replaced by G.
Molecular consequence: intron variant.
Genome position (GRCh38, 1-based): chr17:43,063,866, A>C on the plus strand (T>G on the coding strand, the complement: BRCA1 is on the minus strand). VCF-style: chr17-43063866-A-C. GRCh37 (hg19) VCF-style: chr17-41215883-A-C.
Other names: c.1699+8T>G (NM_001408458.1, NM_001408461.1, NM_001408464.1 and 7 more transcripts); c.4261+8T>G (NM_001407967.1); c.4771+8T>G (NM_001407959.1); c.4885+8T>G (NM_001407931.1, NM_001407932.1, NM_001407928.1 and 4 more transcripts); c.5008+8T>G (NM_001407747.1, NM_001407745.1, NM_001407737.1 and 21 more transcripts); c.4768+8T>G (NM_001407962.1, NM_001407960.1); c.1339+8T>G (NM_001408512.1); c.1462+8T>G (NM_001408510.1); and 73 more.
Identifiers: ClinVar variation 865036 (VCV000865036.12), dbSNP rs1567769120, ClinGen allele CA916080119.

ClinVar aggregate classification (germline): Likely benign (1 of 4 stars; one submission).

Conditions:
Hereditary breast ovarian cancer syndrome. Also called: Hereditary breast and/or ovarian cancer syndrome; BRCA1- and BRCA2-Associated Hereditary Breast and Ovarian Cancer; Hereditary breast and ovarian cancer syndrome; Hereditary breast and ovarian cancer; Hereditary breast and ovarian cancer syndrome (HBOC); Breast and ovarian cancer. Identifiers: Orphanet 145, MedGen C0677776, MeSH D061325, MONDO:0003582. Disease mechanism: loss of function.

Submissions (2):

Labcorp Genetics (formerly Invitae), Labcorp
Classification: Likely benign for Hereditary breast ovarian cancer syndrome. Last evaluated: 2021-04-29. Review status: criteria provided, single submitter. Criteria: Invitae Variant Classification Sherloc (09022015). Collection method: clinical testing. Allele origin: germline.

Brotman Baty Institute, University of Washington
No classification provided (evidence only). Condition: Breast-ovarian cancer, familial 1. Review status: no classification provided. Collection method: in vitro. Allele origin: not applicable. Functional consequence: functionally_normal. Not counted in ClinVar's aggregate classification.
ClinVar note: "not provided" was previously submitted as the classification for the variant. However, the classification appeared to be based only on an observation of functional data so it was converted to no classification on 2025-07-30.